The following is an entry in ClinVar:

ClinVar aggregate classification (germline): Uncertain significance (1 of 4 stars; one submission).

Conditions:
Inborn genetic diseases. Identifiers: MedGen C0950123, MeSH D030342.

gnomAD v4.1: 1 of 1,614,106 alleles (0.000062%); highest among the groups gnomAD compares: Non-Finnish European, 0.000085%; no homozygotes.

Submission:

Ambry Genetics
Classification: Uncertain significance for Inborn genetic diseases. Last evaluated: 2026-03-29. Review status: criteria provided, single submitter. Criteria: Ambry Variant Classification Scheme 2023. Collection method: clinical testing. Allele origin: germline.
Comment: The p.A702V variant (also known as c.2105C>T), located in coding exon 8 of the MECOM gene, results from a C to T substitution at nucleotide position 2105. The alanine at codon 702 is replaced by valine, an amino acid with similar properties. This amino acid position is conserved. In addition, this alteration is predicted to be tolerated by in silico analysis. Based on the available evidence, the clinical significance of this variant remains unclear.

NM_004991.4(MECOM):c.2105C>T (p.Ala702Val)

Gene: MECOM (MDS1 and EVI1 complex locus; minus strand). Cytogenetic location: 3q26.2.
Variant type: single nucleotide variant.
Coding change: c.2105C>T on transcript NM_004991.4 (MANE Select); coding-DNA position 2105, C replaced by T.
Protein change: p.Ala702Val; replaces alanine 702 with valine.
Molecular consequence: missense variant.
Genome position (GRCh38, 1-based): chr3:169,115,767, G>A on the plus strand (C>T on the coding strand, the complement: MECOM is on the minus strand). VCF-style: chr3-169115767-G-A. GRCh37 (hg19) VCF-style: chr3-168833555-G-A.
Other names: c.1736C>T, p.Ala579Val (NM_001105077.4); c.1541C>T, p.Ala514Val (NM_001105078.4, NM_001164000.2, NM_001205194.2 and 4 more transcripts); c.1544C>T, p.Ala515Val (NM_001163999.2, NM_001366467.2, NM_001366468.2 and 1 more transcripts); c.2105C>T, p.Ala702Val (NM_001366466.2); c.1133C>T, p.Ser378Leu (NM_001366473.2); c.569C>T, p.Ser190Leu (NM_001366474.2); short protein forms A514V, A515V, A579V, A702V, S190L, S378L.
Identifiers: ClinVar variation 4859713 (VCV004859713.1).